The following is an entry in ClinVar:

ClinVar aggregate classification (germline): Likely benign (0 of 4 stars; one submission).

Conditions:
SEMA3C-related disorder. Also called: SEMA3C-related condition.

gnomAD v4.1: 5 of 1,600,418 alleles (0.00031%); highest among the groups gnomAD compares: Non-Finnish European, 0.00043%; no homozygotes.

Submission:

PreventionGenetics, part of Exact Sciences
Classification: Likely benign for SEMA3C-related condition. Last evaluated: 2023-04-18. Review status: no assertion criteria provided. Collection method: clinical testing. Allele origin: germline.
Comment: This variant is classified as likely benign based on ACMG/AMP sequence variant interpretation guidelines (Richards et al. 2015 PMID: 25741868, with internal and published modifications).

NM_006379.5(SEMA3C):c.291A>G (p.Lys97=)

Gene: SEMA3C (semaphorin 3C; minus strand). Cytogenetic location: 7q21.11.
Variant type: single nucleotide variant.
Coding change: c.291A>G on transcript NM_006379.5 (MANE Select); coding-DNA position 291, A replaced by G.
Protein change: p.Lys97=; no amino-acid change (lysine 97 retained).
Molecular consequence: synonymous variant.
Genome position (GRCh38, 1-based): chr7:80,827,461, T>C on the plus strand (A>G on the coding strand, the complement: SEMA3C is on the minus strand). VCF-style: chr7-80827461-T-C. GRCh37 (hg19) VCF-style: chr7-80456777-T-C.
Other names: c.345A>G, p.Lys115= (NM_001350120.2); c.117A>G, p.Lys39= (NM_001350121.2).
Identifiers: ClinVar variation 3356148 (VCV003356148.1).
Genomic context (GRCh38, chr7:80,827,461, plus strand): 5'-TTTTTTTTTTTTTTTAACACTTACTGTGGGATCTTTGCCAGCCATTTTGCATTCTTCAAC[T>C]TTGATTGTAGATGCTGGCCAGAAAACCTGCTCAGAAAGAAAAATAAAGGTTGCATAATCT-3'
Protein context (NP_006370.1, residues 87-107): LSVFWPASTI[Lys97=]VEECKMAGKD